The following is an entry in ClinVar:

NM_000368.5(TSC1):c.2665G>A (p.Glu889Lys)

Gene: TSC1 (TSC complex subunit 1; minus strand). Cytogenetic location: 9q34.13.
Variant type: single nucleotide variant.
Coding change: c.2665G>A on transcript NM_000368.5 (MANE Select); coding-DNA position 2665, G replaced by A.
Protein change: p.Glu889Lys; replaces glutamic acid 889 with lysine.
Molecular consequence: missense variant.
Genome position (GRCh38, 1-based): chr9:132,897,571, C>T on the plus strand (G>A on the coding strand, the complement: TSC1 is on the minus strand). VCF-style: chr9-132897571-C-T. GRCh37 (hg19) VCF-style: chr9-135772958-C-T.
Other names: c.2662G>A, p.Glu888Lys (NM_001406599.1, NM_001406600.1, NM_001162426.2 and 2 more transcripts); c.2650G>A, p.Glu884Lys (NM_001406601.1, NM_001406602.1); c.2647G>A, p.Glu883Lys (NM_001406603.1, NM_001406604.1); c.2623G>A, p.Glu875Lys (NM_001406605.1, NM_001406606.1, NM_001406607.1); c.2620G>A, p.Glu874Lys (NM_001406608.1, NM_001406609.1); c.2302G>A, p.Glu768Lys (NM_001406618.1, NM_001406619.1, NM_001362177.2 and 4 more transcripts); c.2299G>A, p.Glu767Lys (NM_001406620.1, NM_001406621.1, NM_001406622.1 and 1 more transcripts); c.2260G>A, p.Glu754Lys (NM_001406624.1); and 8 more; short protein forms E768K, E823K, E837K, E875K, E883K, E571K, E572K, E767K.
Identifiers: ClinVar variation 1794490 (VCV001794490.8), dbSNP rs775589156, ClinGen allele CA034169.

ClinVar aggregate classification (germline): Uncertain significance. Review status: criteria provided, multiple submitters, no conflicts (2 of 4 stars). 3 submissions from 3 submitters: Uncertain significance (3). Last evaluated 2023-05-31.

Conditions:
Tuberous sclerosis 1 (TSC1). Identifiers: Orphanet 805, MedGen C1854465, MONDO:0008612, OMIM 191100.
Tuberous sclerosis syndrome (TSC). Also called: Tuberous sclerosis; Tuberous Sclerosis Complex. Identifiers: Orphanet 805, MedGen C0041341, MONDO:0001734.
Hereditary cancer-predisposing syndrome. Also called: Neoplastic Syndromes, Hereditary; Tumor predisposition; Hereditary neoplastic syndrome; Hereditary Cancer Syndrome. Identifiers: Orphanet 140162, MedGen C0027672, MeSH D009386, MONDO:0015356.

Allele frequency attached by ClinVar (database versions not stated): ExAC 0.00001; gnomAD 0.00002; gnomAD exomes 0.00005.
gnomAD v4.1: 70 of 1,516,326 alleles (0.0046%); highest among the groups gnomAD compares: Non-Finnish European, 0.0062%; no homozygotes.

Submissions (3):

All of Us Research Program, National Institutes of Health
Classification: Uncertain significance for Tuberous sclerosis syndrome. Last evaluated: 2023-05-31. Review status: criteria provided, single submitter. Criteria: ACMG Guidelines, 2015. Collection method: clinical testing. Allele origin: germline. Inheritance: Autosomal dominant inheritance. Observed: 2 variant alleles, 2 heterozygotes.
Comment: This study involves interpretation of variants in research participants for the purpose of population health screening. Participant phenotype was not available at the time of variant classification. Additional details can be found in publication PMID: 35346344, PMCID: PMC8962531

Labcorp Genetics (formerly Invitae), Labcorp
Classification: Uncertain significance for Tuberous sclerosis 1. Last evaluated: 2022-03-19. Review status: criteria provided, single submitter. Criteria: Invitae Variant Classification Sherloc (09022015). Collection method: clinical testing. Allele origin: germline.
Comment: This sequence change replaces glutamic acid, which is acidic and polar, with lysine, which is basic and polar, at codon 889 of the TSC1 protein (p.Glu889Lys). In summary, the available evidence is currently insufficient to determine the role of this variant in disease. Therefore, it has been classified as a Variant of Uncertain Significance. Algorithms developed to predict the effect of missense changes on protein structure and function (SIFT, PolyPhen-2, Align-GVGD) all suggest that this variant is likely to be tolerated. This variant has not been reported in the literature in individuals affected with TSC1-related conditions. This variant is present in population databases (rs775589156, gnomAD 0.003%).

Ambry Genetics
Classification: Uncertain significance for Hereditary cancer-predisposing syndrome. Last evaluated: 2022-01-16. Review status: criteria provided, single submitter. Criteria: Ambry Variant Classification Scheme 2023. Collection method: clinical testing. Allele origin: germline.
Comment: The p.E889K variant (also known as c.2665G>A), located in coding exon 19 of the TSC1 gene, results from a G to A substitution at nucleotide position 2665. The glutamic acid at codon 889 is replaced by lysine, an amino acid with similar properties. This amino acid position is conserved. In addition, this alteration is predicted to be deleterious by in silico analysis. Since supporting evidence is limited at this time, the clinical significance of this alteration remains unclear.